The following is an entry in ClinVar:

NM_139058.3(ARX):c.1496C>T (p.Ala499Val)

Gene: ARX (aristaless related homeobox; minus strand). Cytogenetic location: Xp21.3.
Variant type: single nucleotide variant.
Coding change: c.1496C>T on transcript NM_139058.3 (MANE Select); coding-DNA position 1496, C replaced by T.
Protein change: p.Ala499Val; replaces alanine 499 with valine.
Molecular consequence: missense variant.
Genome position (GRCh38, 1-based): chrX:25,004,863, G>A on the plus strand (C>T on the coding strand, the complement: ARX is on the minus strand). VCF-style: chrX-25004863-G-A. GRCh37 (hg19) VCF-style: chrX-25022980-G-A.
Other names: short protein forms A499V.
Identifiers: ClinVar variation 2416977 (VCV002416977.7), dbSNP rs1343898082, ClinGen allele CA412610886.

ClinVar aggregate classification (germline): Uncertain significance (1 of 4 stars; one submission).

Conditions:
Intellectual disability, X-linked, with or without seizures, ARX-related. Also called: MENTAL RETARDATION, X-LINKED 29; MENTAL RETARDATION, X-LINKED 32; MENTAL RETARDATION, X-LINKED 33; MENTAL RETARDATION, X-LINKED 38; MENTAL RETARDATION, X-LINKED 43; MENTAL RETARDATION, X-LINKED 76. Identifiers: Orphanet 777, MedGen C0796244, MONDO:0010317, OMIM 300419.
Developmental and epileptic encephalopathy, 1 (DEE1). Also called: X-linked infantile spasms; West's syndrome; Tonic spasms with clustering, arrest of psychomotor development and hypsarrhythmia on EEG; X-Linked Infantile Spasm Syndrome; OHTAHARA SYNDROME, X-LINKED; INFANTILE SPASM SYNDROME, X-LINKED 1. Identifiers: MedGen C3463992, MONDO:0010632, OMIM 308350. Disease mechanism: loss of function.

Allele frequency attached by ClinVar (database versions not stated): gnomAD exomes 0.00001; TOPMed 0.00001.
gnomAD v4.1: 9 of 1,150,344 alleles (0.00078%); highest among the groups gnomAD compares: Non-Finnish European, 0.001%; no homozygotes.

Submission:

Labcorp Genetics (formerly Invitae), Labcorp
Classification: Uncertain significance for Developmental and epileptic encephalopathy, 1; Intellectual disability, X-linked, with or without seizures, ARX-related. Last evaluated: 2024-10-23. Review status: criteria provided, single submitter. Criteria: Invitae Variant Classification Sherloc (09022015). Collection method: clinical testing. Allele origin: germline.
Comment: This sequence change replaces alanine, which is neutral and non-polar, with valine, which is neutral and non-polar, at codon 499 of the ARX protein (p.Ala499Val). The frequency data for this variant in the population databases is considered unreliable, as metrics indicate poor data quality at this position in the gnomAD database. This variant has not been reported in the literature in individuals affected with ARX-related conditions. ClinVar contains an entry for this variant (Variation ID: 2416977). Invitae Evidence Modeling of protein sequence and biophysical properties (such as structural, functional, and spatial information, amino acid conservation, physicochemical variation, residue mobility, and thermodynamic stability) indicates that this missense variant is not expected to disrupt ARX protein function with a negative predictive value of 80%. In summary, the available evidence is currently insufficient to determine the role of this variant in disease. Therefore, it has been classified as a Variant of Uncertain Significance.